The following is an entry in ClinVar:

NM_198253.3(TERT):c.1496A>G (p.Lys499Arg)

Gene: TERT (telomerase reverse transcriptase; minus strand). Cytogenetic location: 5p15.33.
Variant type: single nucleotide variant.
Coding change: c.1496A>G on transcript NM_198253.3 (MANE Select); coding-DNA position 1496, A replaced by G.
Protein change: p.Lys499Arg; replaces lysine 499 with arginine.
Molecular consequence: missense variant. On other transcripts: non-coding transcript variant (2).
Genome position (GRCh38, 1-based): chr5:1,293,390, T>C on the plus strand (A>G on the coding strand, the complement: TERT is on the minus strand). VCF-style: chr5-1293390-T-C. GRCh37 (hg19) VCF-style: chr5-1293505-T-C.
Other names: c.1496A>G, p.Lys499Arg (NM_001193376.3); short protein forms K499R.
Identifiers: ClinVar variation 4783685 (VCV004783685.1).

ClinVar aggregate classification (germline): Uncertain significance (1 of 4 stars; one submission).

Conditions:
Dyskeratosis congenita, autosomal dominant 2. Identifiers: MedGen C3151443, MONDO:0013521, OMIM 613989.
Idiopathic Pulmonary Fibrosis. Also called: Idiopathic fibrosing alveolitis, chronic form; idiopathic fibrosing alveolitis. Identifiers: Orphanet 2032, MedGen C1800706, MeSH D054990, MONDO:0800504.

Submission:

Labcorp Genetics (formerly Invitae), Labcorp
Classification: Uncertain significance for Dyskeratosis congenita, autosomal dominant 2; Idiopathic Pulmonary Fibrosis. Last evaluated: 2025-08-25. Review status: criteria provided, single submitter. Criteria: Invitae Variant Classification Sherloc (09022015). Collection method: clinical testing. Allele origin: germline.
Comment: This sequence change replaces lysine, which is basic and polar, with arginine, which is basic and polar, at codon 499 of the TERT protein (p.Lys499Arg). This variant is not present in population databases (gnomAD no frequency). This variant has not been reported in the literature in individuals affected with TERT-related conditions. Invitae Evidence Modeling of protein sequence and biophysical properties (such as structural, functional, and spatial information, amino acid conservation, physicochemical variation, residue mobility, and thermodynamic stability) indicates that this missense variant is not expected to disrupt TERT protein function with a negative predictive value of 95%. In summary, the available evidence is currently insufficient to determine the role of this variant in disease. Therefore, it has been classified as a Variant of Uncertain Significance.